The following is an entry in ClinVar:

ClinVar aggregate classification (germline): Uncertain significance (1 of 4 stars; one submission).

Conditions:
Myopathy, proximal, and ophthalmoplegia (CMYO6). Also called: MYOPATHY WITH CONGENITAL JOINT CONTRACTURES, OPHTHALMOPLEGIA, AND RIMMED VACUOLES; INCLUSION BODY MYOPATHY 3, AUTOSOMAL DOMINANT; CONGENITAL MYOPATHY 6 WITH OPHTHALMOPLEGIA. Identifiers: Orphanet 363677, Orphanet 79091, MedGen C1854106, MONDO:0011577, OMIM 605637.

Submission:

Labcorp Genetics (formerly Invitae), Labcorp
Classification: Uncertain significance for Myopathy, proximal, and ophthalmoplegia. Last evaluated: 2024-08-13. Review status: criteria provided, single submitter. Criteria: Invitae Variant Classification Sherloc (09022015). Collection method: clinical testing. Allele origin: germline.
Comment: This sequence change replaces asparagine, which is neutral and polar, with lysine, which is basic and polar, at codon 1648 of the MYH2 protein (p.Asn1648Lys). This variant is not present in population databases (gnomAD no frequency). This variant has not been reported in the literature in individuals affected with MYH2-related conditions. Invitae Evidence Modeling of protein sequence and biophysical properties (such as structural, functional, and spatial information, amino acid conservation, physicochemical variation, residue mobility, and thermodynamic stability) indicates that this missense variant is not expected to disrupt MYH2 protein function with a negative predictive value of 80%. In summary, the available evidence is currently insufficient to determine the role of this variant in disease. Therefore, it has been classified as a Variant of Uncertain Significance.

NM_017534.6(MYH2):c.4944C>A (p.Asn1648Lys)

Genes: MYHAS (myosin heavy chain gene cluster antisense RNA; plus strand), MYH2 (myosin heavy chain 2; minus strand), LOC126862500 (BRD4-independent group 4 enhancer GRCh37_chr17:10427829-10429028; plus strand). Cytogenetic location: 17p13.1.
Variant type: single nucleotide variant.
Coding change: c.4944C>A on transcript NM_017534.6 (MANE Select); coding-DNA position 4944, C replaced by A.
Protein change: p.Asn1648Lys; replaces asparagine 1648 with lysine.
Molecular consequence: missense variant.
Genome position (GRCh38, 1-based): chr17:10,524,784, G>T on the plus strand (C>A on the coding strand, the complement: MYH2 is on the minus strand). VCF-style: chr17-10524784-G-T. GRCh37 (hg19) VCF-style: chr17-10428101-G-T.
Other names: c.4944C>A, p.Asn1648Lys (NM_001100112.2); short protein forms N1648K.
Identifiers: ClinVar variation 3662261 (VCV003662261.2).